The following is an entry in ClinVar:

NM_001130438.3(SPTAN1):c.3505G>T (p.Ala1169Ser)

Gene: SPTAN1 (spectrin alpha, non-erythrocytic 1; plus strand). Cytogenetic location: 9q34.11.
Variant type: single nucleotide variant.
Coding change: c.3505G>T on transcript NM_001130438.3 (MANE Select); coding-DNA position 3505, G replaced by T.
Protein change: p.Ala1169Ser; replaces alanine 1169 with serine.
Molecular consequence: missense variant.
Genome position (GRCh38, 1-based): chr9:128,598,490, G>T. VCF-style: chr9-128598490-G-T. GRCh37 (hg19) VCF-style: chr9-131360769-G-T.
Other names: c.3445G>T, p.Ala1149Ser (NM_001195532.2, NM_001363765.2, NM_001375314.2); c.3505G>T, p.Ala1169Ser (NM_001363759.2, NM_001375310.1, NM_001375311.2 and 2 more transcripts); c.3541G>T, p.Ala1181Ser (NM_001375312.2, NM_001375318.1); short protein forms A1149S, A1169S, A1181S.
Identifiers: ClinVar variation 3769973 (VCV003769973.1).

ClinVar aggregate classification (germline): Uncertain significance (1 of 4 stars; one submission).

gnomAD v4.1: 1 of 1,609,136 alleles (0.000062%); highest among the groups gnomAD compares: South Asian, 0.0011%; no homozygotes.

Submission:

GeneDx
Classification: Uncertain significance. Last evaluated: 2024-09-12. Review status: criteria provided, single submitter. Criteria: GeneDx Variant Classification Process June 2021. Collection method: clinical testing. Allele origin: germline. Affected: yes.
Comment: Not observed at significant frequency in large population cohorts (gnomAD); In silico analysis indicates that this missense variant does not alter protein structure/function; Has not been previously published as pathogenic or benign to our knowledge